The following is an entry in ClinVar:

NM_006466.4(POLR3F):c.892G>A (p.Glu298Lys)

Gene: POLR3F (RNA polymerase III subunit F; plus strand). Cytogenetic location: 20p11.23.
Variant type: single nucleotide variant.
Coding change: c.892G>A on transcript NM_006466.4 (MANE Select); coding-DNA position 892, G replaced by A.
Protein change: p.Glu298Lys; replaces glutamic acid 298 with lysine.
Molecular consequence: missense variant. On other transcripts: non-coding transcript variant (1).
Genome position (GRCh38, 1-based): chr20:18,483,499, G>A. VCF-style: chr20-18483499-G-A. GRCh37 (hg19) VCF-style: chr20-18464143-G-A.
Other names: c.769G>A, p.Glu257Lys (NM_001282526.2); c.748G>A, p.Glu250Lys (NM_001410821.1); short protein forms E250K, E257K, E298K.
Identifiers: ClinVar variation 2046981 (VCV002046981.4), dbSNP rs779623504, ClinGen allele CA9777655.

ClinVar aggregate classification (germline): Uncertain significance (1 of 4 stars; one submission).

gnomAD v4.1: 1 of 1,526,762 alleles (0.000065%); highest among the groups gnomAD compares: Non-Finnish European, 0.000089%; no homozygotes.

Submission:

Labcorp Genetics (formerly Invitae), Labcorp
Classification: Uncertain significance. Last evaluated: 2022-03-14. Review status: criteria provided, single submitter. Criteria: Invitae Variant Classification Sherloc (09022015). Collection method: clinical testing. Allele origin: germline.
Comment: This sequence change replaces glutamic acid, which is acidic and polar, with lysine, which is basic and polar, at codon 257 of the POLR3F protein (p.Glu257Lys). This variant is not present in population databases (gnomAD no frequency). This variant has not been reported in the literature in individuals affected with POLR3F-related conditions. Algorithms developed to predict the effect of missense changes on protein structure and function are either unavailable or do not agree on the potential impact of this missense change (SIFT: "Tolerated"; PolyPhen-2: "Not Available"; Align-GVGD: "Class C0"). In summary, the available evidence is currently insufficient to determine the role of this variant in disease. Therefore, it has been classified as a Variant of Uncertain Significance.